The following is an entry in ClinVar:

ClinVar aggregate classification (germline): Conflicting classifications of pathogenicity. Review status: criteria provided, conflicting classifications (1 of 4 stars). 2 submissions from 2 submitters: Uncertain significance (1); Likely benign (1). Last evaluated 2026-05-01.

Conditions:
Inborn genetic diseases. Identifiers: MedGen C0950123, MeSH D030342.

gnomAD v4.1: 21 of 1,210,115 alleles (0.0017%); highest among the groups gnomAD compares: South Asian, 0.007%; no homozygotes.

Submissions (2):

CeGaT Center for Human Genetics Tuebingen
Classification: Likely benign. Last evaluated: 2026-05-01. Review status: criteria provided, single submitter. Criteria: CeGaT Center For Human Genetics Tuebingen Variant Classification Criteria Version 2. Collection method: clinical testing. Allele origin: germline. Affected: yes. Observed: 1 variant allele.
Comment: ARR3: BP4, BS2

Ambry Genetics
Classification: Uncertain significance for Inborn genetic diseases. Last evaluated: 2025-08-07. Review status: criteria provided, single submitter. Criteria: Ambry Variant Classification Scheme 2023. Collection method: clinical testing. Allele origin: germline.

NM_004312.3(ARR3):c.181C>T (p.Arg61Cys)

Gene: ARR3 (arrestin 3; plus strand). Cytogenetic location: Xq13.1.
Variant type: single nucleotide variant.
Coding change: c.181C>T on transcript NM_004312.3 (MANE Select); coding-DNA position 181, C replaced by T.
Protein change: p.Arg61Cys; replaces arginine 61 with cysteine.
Molecular consequence: missense variant.
Genome position (GRCh38, 1-based): chrX:70,276,117, C>T. VCF-style: chrX-70276117-C-T. GRCh37 (hg19) VCF-style: chrX-69495967-C-T.
Other names: short protein forms R61C.
Identifiers: ClinVar variation 4148498 (VCV004148498.3).